The following is an entry in ClinVar:

ClinVar aggregate classification (germline): Uncertain significance (1 of 4 stars; one submission).

Conditions:
Alpha thalassemia-X-linked intellectual disability syndrome (ATRX). Also called: ALPHA-THALASSEMIA/MENTAL RETARDATION SYNDROME, X-LINKED; ATR, NONDELETION TYPE; ATR-X syndrome; Alpha thalassemia mental retardation syndrome, nondeletion type, X-linked; XLMR hypotonic face syndrome; X-linked alpha-thalassemia-mental retardation syndrome. Identifiers: Orphanet 847, MedGen C1845055, MONDO:0010519, OMIM 301040.

Submission:

Labcorp Genetics (formerly Invitae), Labcorp
Classification: Uncertain significance for Alpha thalassemia-X-linked intellectual disability syndrome. Last evaluated: 2024-01-29. Review status: criteria provided, single submitter. Criteria: Invitae Variant Classification Sherloc (09022015). Collection method: clinical testing. Allele origin: germline.
Comment: This sequence change replaces aspartic acid, which is acidic and polar, with histidine, which is basic and polar, at codon 997 of the ATRX protein (p.Asp997His). This variant is not present in population databases (gnomAD no frequency). This variant has not been reported in the literature in individuals affected with ATRX-related conditions. Advanced modeling of protein sequence and biophysical properties (such as structural, functional, and spatial information, amino acid conservation, physicochemical variation, residue mobility, and thermodynamic stability) performed at Invitae indicates that this missense variant is not expected to disrupt ATRX protein function with a negative predictive value of 95%. In summary, the available evidence is currently insufficient to determine the role of this variant in disease. Therefore, it has been classified as a Variant of Uncertain Significance.

NM_000489.6(ATRX):c.2989G>C (p.Asp997His)

Gene: ATRX (ATRX chromatin remodeler; minus strand). Cytogenetic location: Xq21.1.
Variant type: single nucleotide variant.
Coding change: c.2989G>C on transcript NM_000489.6 (MANE Select); coding-DNA position 2989, G replaced by C.
Protein change: p.Asp997His; replaces aspartic acid 997 with histidine.
Molecular consequence: missense variant.
Genome position (GRCh38, 1-based): chrX:77,682,267, C>G on the plus strand (G>C on the coding strand, the complement: ATRX is on the minus strand). VCF-style: chrX-77682267-C-G. GRCh37 (hg19) VCF-style: chrX-76937759-C-G.
Other names: c.2875G>C, p.Asp959His (NM_138270.5); short protein forms D959H, D997H.
Identifiers: ClinVar variation 2710802 (VCV002710802.3), dbSNP rs1557138410, ClinGen allele CA413709060.